The following is an entry in ClinVar:

NM_000428.3(LTBP2):c.1952G>A (p.Gly651Asp)

Gene: LTBP2 (latent transforming growth factor beta binding protein 2; minus strand). Cytogenetic location: 14q24.3.
Variant type: single nucleotide variant.
Coding change: c.1952G>A on transcript NM_000428.3 (MANE Select); coding-DNA position 1952, G replaced by A.
Protein change: p.Gly651Asp; replaces glycine 651 with aspartic acid.
Molecular consequence: missense variant.
Genome position (GRCh38, 1-based): chr14:74,532,461, C>T on the plus strand (G>A on the coding strand, the complement: LTBP2 is on the minus strand). VCF-style: chr14-74532461-C-T. GRCh37 (hg19) VCF-style: chr14-74999164-C-T.
Other names: short protein forms G651D.
Identifiers: ClinVar variation 1914865 (VCV001914865.5), dbSNP rs541181131, ClinGen allele CA7269707.

ClinVar aggregate classification (germline): Uncertain significance (1 of 4 stars; one submission).

Allele frequency attached by ClinVar (database versions not stated): TOPMed below 0.00001; ExAC 0.00001; gnomAD 0.00001; gnomAD exomes 0.00001.
gnomAD v4.1: 7 of 1,614,196 alleles (0.00043%); highest among the groups gnomAD compares: Admixed American, 0.012%; no homozygotes.

Submission:

Labcorp Genetics (formerly Invitae), Labcorp
Classification: Uncertain significance. Last evaluated: 2022-12-06. Review status: criteria provided, single submitter. Criteria: Invitae Variant Classification Sherloc (09022015). Collection method: clinical testing. Allele origin: germline.
Comment: In summary, the available evidence is currently insufficient to determine the role of this variant in disease. Therefore, it has been classified as a Variant of Uncertain Significance. Algorithms developed to predict the effect of missense changes on protein structure and function (SIFT, PolyPhen-2, Align-GVGD) all suggest that this variant is likely to be disruptive. This variant has not been reported in the literature in individuals affected with LTBP2-related conditions. This variant is present in population databases (rs541181131, gnomAD 0.01%). This sequence change replaces glycine, which is neutral and non-polar, with aspartic acid, which is acidic and polar, at codon 651 of the LTBP2 protein (p.Gly651Asp).